The following is an entry in ClinVar:

ClinVar aggregate classification (germline): Uncertain significance (1 of 4 stars; one submission).

Submission:

GeneDx
Classification: Uncertain significance. Last evaluated: 2024-05-14. Review status: criteria provided, single submitter. Criteria: GeneDx Variant Classification Process June 2021. Collection method: clinical testing. Allele origin: germline. Affected: yes.
Comment: Not observed at significant frequency in large population cohorts (gnomAD); Has not been previously published as pathogenic or benign to our knowledge; In silico analysis does not support a benign or deleterious effect of this variant on protein structure/function

NM_020117.11(LARS1):c.3016_3017delinsAT (p.Arg1006Ile)

Gene: LARS1 (leucyl-tRNA synthetase 1; minus strand). Cytogenetic location: 5q32.
Variant type: Indel.
Coding change: c.3016_3017delinsAT on transcript NM_020117.11 (MANE Select); coding-DNA positions 3016 to 3017, CG replaced by AT.
Protein change: p.Arg1006Ile; replaces arginine 1006 with isoleucine.
Molecular consequence: missense variant.
Genome position (GRCh38, 1-based): chr5:146,124,061-146,124,062, CG replaced by AT on the plus strand (CG replaced by AT on the coding strand, the reverse complement: LARS1 is on the minus strand). VCF-style: chr5-146124061-CG-AT. GRCh37 (hg19) VCF-style: chr5-145503624-CG-AT.
Other names: c.2878_2879delinsAT, p.Arg960Ile (NM_001317964.2); c.2854_2855delinsAT, p.Arg952Ile (NM_001317965.2); c.2935_2936delinsAT, p.Arg979Ile (NM_016460.4); short protein forms R1006I, R952I, R960I, R979I.
Identifiers: ClinVar variation 3378324 (VCV003378324.1).